The following is an entry in ClinVar:

NM_015189.3(EXOC6B):c.670-2A>G

Gene: EXOC6B (exocyst complex component 6B; minus strand). Cytogenetic location: 2p13.2.
Variant type: single nucleotide variant.
Coding change: c.670-2A>G on transcript NM_015189.3 (MANE Select); the canonical splice acceptor site of the intron before coding-DNA position 670, A replaced by G.
Molecular consequence: splice acceptor variant.
Genome position (GRCh38, 1-based): chr2:72,575,670, T>C on the plus strand (A>G on the coding strand, the complement: EXOC6B is on the minus strand). VCF-style: chr2-72575670-T-C. GRCh37 (hg19) VCF-style: chr2-72802799-T-C.
Other names: c.331-2A>G (NM_001321734.2); c.670-2A>G (NM_001321733.2, NM_001321730.2, NM_001321729.2 and 1 more transcripts).
Identifiers: ClinVar variation 1500492 (VCV001500492.6), dbSNP rs374381770, ClinGen allele CA1708678.
Genomic context (GRCh38, chr2:72,575,670, plus strand): 5'-TTGCTACCTATTCTGGGTTGTTGCAAGACGATGTTATCCAGGTTTCTTTGCTGCTGGGCC[T>C]AGGATAGAGAAGAACACACACAAACACACCAAAAAGGTGGGGTTAGGGAGAGAGAAAGAA-3'

ClinVar aggregate classification (germline): Likely pathogenic (1 of 4 stars; one submission).

Allele frequency attached by ClinVar (database versions not stated): gnomAD exomes below 0.00001 and 0.00002; ExAC 0.00003; gnomAD 0.00003 and 0.00004; TOPMed 0.00005; ESP Exome Variant Server 0.00017.
gnomAD v4.1: 7 of 1,590,348 alleles (0.00044%); highest among the groups gnomAD compares: African/African-American, 0.0096%; no homozygotes.

Submission:

Labcorp Genetics (formerly Invitae), Labcorp
Classification: Likely pathogenic. Last evaluated: 2023-08-10. Review status: criteria provided, single submitter. Criteria: Invitae Variant Classification Sherloc (09022015). Collection method: clinical testing. Allele origin: germline.
Comment: This sequence change affects an acceptor splice site in intron 6 of the EXOC6B gene. It is expected to disrupt RNA splicing. Variants that disrupt the donor or acceptor splice site typically lead to a loss of protein function (PMID: 16199547), and loss-of-function variants in EXOC6B are known to be pathogenic (PMID: 26669664, 36150098). In summary, the currently available evidence indicates that the variant is pathogenic, but additional data are needed to prove that conclusively. Therefore, this variant has been classified as Likely Pathogenic. Algorithms developed to predict the effect of sequence changes on RNA splicing suggest that this variant may disrupt the consensus splice site. ClinVar contains an entry for this variant (Variation ID: 1500492). This variant has not been reported in the literature in individuals affected with EXOC6B-related conditions. This variant is present in population databases (rs374381770, gnomAD 0.04%).

Literature cited by the submitters: PubMed 16199547; PubMed 26669664; PubMed 36150098.